The following is an entry in ClinVar:

ClinVar aggregate classification (germline): Pathogenic (1 of 4 stars; one submission).

Conditions:
Neurodegeneration with brain iron accumulation 5 (NBIA5). Also called: Beta-propeller protein-associated neurodegeneration; STATIC ENCEPHALOPATHY OF CHILDHOOD WITH NEURODEGENERATION IN ADULTHOOD. Identifiers: Orphanet 329284, MedGen C3550973, MONDO:0010476, OMIM 300894.

Submission:

Labcorp Genetics (formerly Invitae), Labcorp
Classification: Pathogenic for Neurodegeneration with brain iron accumulation 5. Last evaluated: 2019-12-11. Review status: criteria provided, single submitter. Criteria: Invitae Variant Classification Sherloc (09022015). Collection method: clinical testing. Allele origin: germline.
Comment: A gross deletion of the genomic region encompassing the full coding sequence of the WDR45 gene has been identified. The boundaries of this event are unknown as the deletion extends beyond the assayed region for this gene and therefore may encompass additional genes. A similar deletion of the WDR45 gene has been reported in individual(s) affected with WDR45-related conditions (PMID: 29082105). Loss-of-function variants in WDR45 are known to be pathogenic (PMID: 23176820, 24368176, 24621584, 25744623, 26790960, 27030146, 27652284, 28554332). For these reasons, this variant has been classified as Pathogenic.

Literature cited by the submitters: PubMed 29082105.

NC_000023.10:g.(?_48932442)_(48935774_?)del

Gene: WDR45 (WD repeat domain 45; minus strand). Cytogenetic location: Xp11.23.
Variant type: Deletion.
Identifiers: ClinVar variation 832368 (VCV000832368.1).